The following is an entry in ClinVar:

NM_032043.3(BRIP1):c.844A>G (p.Thr282Ala)

Gene: BRIP1 (BRCA1 interacting DNA helicase 1; minus strand). Cytogenetic location: 17q23.2.
Variant type: single nucleotide variant.
Coding change: c.844A>G on transcript NM_032043.3 (MANE Select); coding-DNA position 844, A replaced by G.
Protein change: p.Thr282Ala; replaces threonine 282 with alanine.
Molecular consequence: missense variant.
Genome position (GRCh38, 1-based): chr17:61,808,541, T>C on the plus strand (A>G on the coding strand, the complement: BRIP1 is on the minus strand). VCF-style: chr17-61808541-T-C. GRCh37 (hg19) VCF-style: chr17-59885902-T-C.
Other names: short protein forms T282A.
Identifiers: ClinVar variation 3759056 (VCV003759056.2).

ClinVar aggregate classification (germline): Uncertain significance (1 of 4 stars; one submission).

Conditions:
Fanconi anemia complementation group J. Also called: BRIP1-Related Fanconi Anemia. Identifiers: Orphanet 84, MedGen C1836860, MONDO:0012187, OMIM 609054.
Familial cancer of breast. Also called: BREAST CANCER, FAMILIAL; Hereditary breast cancer; hereditary breast carcinoma. Identifiers: Orphanet 227535, MedGen C0346153, MONDO:0016419, OMIM 114480. Disease mechanism: loss of function.

Submission:

Labcorp Genetics (formerly Invitae), Labcorp
Classification: Uncertain significance for Familial cancer of breast; Fanconi anemia complementation group J. Last evaluated: 2024-12-09. Review status: criteria provided, single submitter. Criteria: Invitae Variant Classification Sherloc (09022015). Collection method: clinical testing. Allele origin: germline.
Comment: This sequence change replaces threonine, which is neutral and polar, with alanine, which is neutral and non-polar, at codon 282 of the BRIP1 protein (p.Thr282Ala). This variant is not present in population databases (gnomAD no frequency). This variant has not been reported in the literature in individuals affected with BRIP1-related conditions. Invitae Evidence Modeling of protein sequence and biophysical properties (such as structural, functional, and spatial information, amino acid conservation, physicochemical variation, residue mobility, and thermodynamic stability) has been performed for this missense variant. However, the output from this modeling did not meet the statistical confidence thresholds required to predict the impact of this variant on BRIP1 protein function. In summary, the available evidence is currently insufficient to determine the role of this variant in disease. Therefore, it has been classified as a Variant of Uncertain Significance.